The following is an entry in ClinVar:

ClinVar aggregate classification (germline): Likely benign (1 of 4 stars; one submission).

Conditions:
CDAN1-related disorder. Also called: CDAN1-related condition.

gnomAD v4.1: 159 of 1,613,968 alleles (0.0099%); highest among the groups gnomAD compares: East Asian, 0.31%; no homozygotes.

Submission:

PreventionGenetics, part of Exact Sciences
Classification: Likely benign for CDAN1-related condition. Last evaluated: 2025-07-01. Review status: criteria provided, single submitter. Criteria: ACMG Guidelines, 2015. Collection method: clinical testing. Allele origin: germline.
Comment: This variant is classified as likely benign based on ACMG/AMP sequence variant interpretation guidelines (Richards et al. 2015 PMID: 25741868, with internal and published modifications).

NM_138477.4(CDAN1):c.3305A>G (p.Gln1102Arg)

Gene: CDAN1 (codanin 1; minus strand). Cytogenetic location: 15q15.2.
Variant type: single nucleotide variant.
Coding change: c.3305A>G on transcript NM_138477.4 (MANE Select); coding-DNA position 3305, A replaced by G.
Protein change: p.Gln1102Arg; replaces glutamine 1102 with arginine.
Molecular consequence: missense variant.
Genome position (GRCh38, 1-based): chr15:42,725,634, T>C on the plus strand (A>G on the coding strand, the complement: CDAN1 is on the minus strand). VCF-style: chr15-42725634-T-C. GRCh37 (hg19) VCF-style: chr15-43017832-T-C.
Other names: short protein forms Q1102R.
Identifiers: ClinVar variation 4990381 (VCV004990381.1).
Genomic context (GRCh38, chr15:42,725,634, plus strand): 5'-TTCCACAAGGAAAGCAGCATGTGCAGAAGCCTTCGAGCCTGCCCTCTCTCCAGCCTGTAC[T>C]GTGCCGGGGGCCCTAGGATAGGAATTTGATCTGCAACTGTGGAAAGAGGAAAGCCAAGCT-3'
Protein context (NP_612486.2, residues 1092-1112): DQIPILGPPA[Gln1102Arg]YRLERGQARR